The following is an entry in ClinVar:

ClinVar aggregate classification (germline): Uncertain significance. Review status: criteria provided, single submitter (1 of 4 stars). 2 submissions from 2 submitters: Uncertain significance (1). 1 of the submissions does not count toward it. Last evaluated 2021-08-31.

Conditions:
Mitochondrial trifunctional protein deficiency. Identifiers: Orphanet 746, MedGen C1969443, MONDO:0012172.
Long chain 3-hydroxyacyl-CoA dehydrogenase deficiency. Also called: LCHAD Deficiency; Deficiency of long-chain 3-hydroxyacyl-coenzyme A dehydrogenase. Identifiers: Orphanet 5, MedGen C3711645, MONDO:0012173, OMIM 609016.

Submissions (2):

Labcorp Genetics (formerly Invitae), Labcorp
Classification: Uncertain significance for Mitochondrial trifunctional protein deficiency; Long chain 3-hydroxyacyl-CoA dehydrogenase deficiency. Last evaluated: 2021-08-31. Review status: criteria provided, single submitter. Criteria: Invitae Variant Classification Sherloc (09022015). Collection method: clinical testing. Allele origin: germline.
Comment: This sequence change replaces alanine with serine at codon 739 of the HADHA protein (p.Ala739Ser). The alanine residue is moderately conserved and there is a moderate physicochemical difference between alanine and serine. This variant is not present in population databases (ExAC no frequency). This variant has not been reported in the literature in individuals affected with HADHA-related conditions. Algorithms developed to predict the effect of missense changes on protein structure and function (SIFT, PolyPhen-2, Align-GVGD) all suggest that this variant is likely to be tolerated. In summary, the available evidence is currently insufficient to determine the role of this variant in disease. Therefore, it has been classified as a Variant of Uncertain Significance.

Natera, Inc.
Classification: Uncertain significance for Deficiency of long-chain 3-hydroxyacyl-coenzyme A dehydrogenase. Last evaluated: 2021-04-06. Review status: no assertion criteria provided. Collection method: clinical testing. Allele origin: germline. Not counted in ClinVar's aggregate classification.

NM_000182.5(HADHA):c.2215G>T (p.Ala739Ser)

Genes: GAREM2 (GRB2 associated regulator of MAPK1 subtype 2; plus strand), HADHA (hydroxyacyl-CoA dehydrogenase trifunctional multienzyme complex subunit alpha; minus strand). Cytogenetic location: 2p23.3.
Variant type: single nucleotide variant.
Coding change: c.2215G>T on transcript NM_000182.5 (MANE Select); coding-DNA position 2215, G replaced by T.
Protein change: p.Ala739Ser; replaces alanine 739 with serine.
Molecular consequence: missense variant.
Genome position (GRCh38, 1-based): chr2:26,191,327, C>A on the plus strand (G>T on the coding strand, the complement: HADHA is on the minus strand). VCF-style: chr2-26191327-C-A. GRCh37 (hg19) VCF-style: chr2-26414196-C-A.
Other names: short protein forms A739S.
Identifiers: ClinVar variation 657134 (VCV000657134.7), dbSNP rs141164185, ClinGen allele CA346111562.